The following is an entry in ClinVar:

ClinVar aggregate classification (germline): Uncertain significance. Review status: criteria provided, multiple submitters, no conflicts (2 of 4 stars). 3 submissions from 3 submitters: Uncertain significance (3). Last evaluated 2024-09-06.

Conditions:
Sphingolipid activator protein 1 deficiency. Also called: Saposin B Deficiency; METACHROMATIC LEUKODYSTROPHY DUE TO CEREBROSIDE SULFATASE ACTIVATOR DEFICIENCY; Metachromatic leukodystrophy due to saposin B deficiency. Identifiers: Orphanet 512, MedGen C0268262, MONDO:0009590, OMIM 249900.
Inborn genetic diseases. Identifiers: MedGen C0950123, MeSH D030342.

Allele frequency attached by ClinVar (database versions not stated): gnomAD 0.00004 and 0.00006; gnomAD exomes 0.00004 and 0.00014; ExAC 0.00005; TOPMed 0.00007; 1000 Genomes Project 30x 0.00016; 1000 Genomes Project 0.00020.
gnomAD v4.1: 207 of 1,613,744 alleles (0.013%); highest among the groups gnomAD compares: Non-Finnish European, 0.017%; no homozygotes.

Submissions (3):

Blueprint Genetics
Classification: Uncertain significance. Last evaluated: 2024-09-06. Review status: criteria provided, single submitter. Criteria: ACMG Guidelines, 2015. Collection method: clinical testing. Allele origin: germline.

Ambry Genetics
Classification: Uncertain significance for Inborn genetic diseases. Last evaluated: 2023-11-06. Review status: criteria provided, single submitter. Criteria: Ambry Variant Classification Scheme 2023. Collection method: clinical testing. Allele origin: germline.

Labcorp Genetics (formerly Invitae), Labcorp
Classification: Uncertain significance for Sphingolipid activator protein 1 deficiency. Last evaluated: 2022-08-31. Review status: criteria provided, single submitter. Criteria: Invitae Variant Classification Sherloc (09022015). Collection method: clinical testing. Allele origin: germline.
Comment: This sequence change replaces proline, which is neutral and non-polar, with arginine, which is basic and polar, at codon 56 of the PSAP protein (p.Pro56Arg). The frequency data for this variant in the population databases is considered unreliable, as metrics indicate poor data quality at this position in the gnomAD database. This variant has not been reported in the literature in individuals affected with PSAP-related conditions. ClinVar contains an entry for this variant (Variation ID: 300533). Algorithms developed to predict the effect of missense changes on protein structure and function are either unavailable or do not agree on the potential impact of this missense change (SIFT: "Not Available"; PolyPhen-2: "Probably Damaging"; Align-GVGD: "Not Available"). In summary, the available evidence is currently insufficient to determine the role of this variant in disease. Therefore, it has been classified as a Variant of Uncertain Significance.

NM_002778.4(PSAP):c.167C>G (p.Pro56Arg)

Gene: PSAP (prosaposin; minus strand). Cytogenetic location: 10q22.1.
Variant type: single nucleotide variant.
Coding change: c.167C>G on transcript NM_002778.4 (MANE Select); coding-DNA position 167, C replaced by G.
Protein change: p.Pro56Arg; replaces proline 56 with arginine.
Molecular consequence: missense variant.
Genome position (GRCh38, 1-based): chr10:71,834,379, G>C on the plus strand (C>G on the coding strand, the complement: PSAP is on the minus strand). VCF-style: chr10-71834379-G-C. GRCh37 (hg19) VCF-style: chr10-73594136-G-C.
Other names: c.167C>G, p.Pro56Arg (NM_001042465.3, NM_001042466.3); short protein forms P56R.
Identifiers: ClinVar variation 300533 (VCV000300533.8), dbSNP rs571773332, ClinGen allele CA5547881.
Genomic context (GRCh38, chr10:71,834,379, plus strand): 5'-AAGGGGACCCAAGAGGAGTGCTGCGGCTGGGACTGGAGGGCAGCGGCACTCACCACTGTT[G>C]GCTTGTTCCAAACGGTCTGCAGGCAGTGCTTCACTGCCCCGCAGTCGGACGCCGTCTTCA-3'
Protein context (NP_002769.1, residues 46-66): KHCLQTVWNK[Pro56Arg]TVKSLPCDIC